The following is an entry in ClinVar:

ClinVar aggregate classification (germline): Uncertain significance (1 of 4 stars; one submission).

Conditions:
Periodic fever-infantile enterocolitis-autoinflammatory syndrome. Also called: Autoinflammation with infantile enterocolitis. Identifiers: Orphanet 436166, MedGen C4015067, MONDO:0014472, OMIM 616050.
Familial cold autoinflammatory syndrome 4 (FCAS4). Identifiers: Orphanet 47045, Orphanet 576349, MedGen C4015276, MONDO:0014498, OMIM 616115.

Submission:

Labcorp Genetics (formerly Invitae), Labcorp
Classification: Uncertain significance for Periodic fever-infantile enterocolitis-autoinflammatory syndrome; Familial cold autoinflammatory syndrome 4. Last evaluated: 2022-04-01. Review status: criteria provided, single submitter. Criteria: Invitae Variant Classification Sherloc (09022015). Collection method: clinical testing. Allele origin: germline.
Comment: This variant is not present in population databases (gnomAD no frequency). This sequence change replaces leucine, which is neutral and non-polar, with arginine, which is basic and polar, at codon 455 of the NLRC4 protein (p.Leu455Arg). This variant has not been reported in the literature in individuals affected with NLRC4-related conditions. In summary, the available evidence is currently insufficient to determine the role of this variant in disease. Therefore, it has been classified as a Variant of Uncertain Significance. Algorithms developed to predict the effect of missense changes on protein structure and function (SIFT, PolyPhen-2, Align-GVGD) all suggest that this variant is likely to be disruptive.

NM_001199138.2(NLRC4):c.1364T>G (p.Leu455Arg)

Gene: NLRC4 (NLR family CARD domain containing 4; minus strand). Cytogenetic location: 2p22.3.
Variant type: single nucleotide variant.
Coding change: c.1364T>G on transcript NM_001199138.2 (MANE Select); coding-DNA position 1364, T replaced by G.
Protein change: p.Leu455Arg; replaces leucine 455 with arginine.
Molecular consequence: missense variant. On other transcripts: intron variant (1).
Genome position (GRCh38, 1-based): chr2:32,250,500, A>C on the plus strand (T>G on the coding strand, the complement: NLRC4 is on the minus strand). VCF-style: chr2-32250500-A-C. GRCh37 (hg19) VCF-style: chr2-32475569-A-C.
Other names: c.1364T>G, p.Leu455Arg (NM_001199139.2, NM_021209.5); c.262+1919T>G (NM_001302504.1); short protein forms L455R.
Identifiers: ClinVar variation 2040958 (VCV002040958.4), dbSNP rs2466760055, ClinGen allele CA346512624.